The following is an entry in ClinVar:

ClinVar aggregate classification (germline): Likely benign (1 of 4 stars; one submission).

Allele frequency attached by ClinVar (database versions not stated): TOPMed 0.00001; gnomAD 0.00003; 1000 Genomes Project 30x 0.00016; ExAC 0.00018; 1000 Genomes Project 0.00020.
gnomAD v4.1: 123 of 1,614,224 alleles (0.0076%); highest among the groups gnomAD compares: South Asian, 0.13%; 1 homozygote.

Submission:

CeGaT Center for Human Genetics Tuebingen
Classification: Likely benign. Last evaluated: 2022-11-01. Review status: criteria provided, single submitter. Criteria: CeGaT Center For Human Genetics Tuebingen Variant Classification Criteria Version 2. Collection method: clinical testing. Allele origin: germline. Affected: yes. Observed: 1 variant allele.
Comment: CASZ1: BP4, BP7

NM_001079843.3(CASZ1):c.1959G>A (p.Glu653=)

Gene: CASZ1 (castor zinc finger 1; minus strand). Cytogenetic location: 1p36.22.
Variant type: single nucleotide variant.
Coding change: c.1959G>A on transcript NM_001079843.3 (MANE Select); coding-DNA position 1959, G replaced by A.
Protein change: p.Glu653=; no amino-acid change (glutamic acid 653 retained).
Molecular consequence: synonymous variant.
Genome position (GRCh38, 1-based): chr1:10,654,098, C>T on the plus strand (G>A on the coding strand, the complement: CASZ1 is on the minus strand). VCF-style: chr1-10654098-C-T. GRCh37 (hg19) VCF-style: chr1-10714155-C-T.
Other names: c.1959G>A, p.Glu653= (NM_017766.5).
Identifiers: ClinVar variation 2638210 (VCV002638210.24), dbSNP rs372726912, ClinGen allele CA584972.